The following is an entry in ClinVar:

ClinVar aggregate classification (germline): Pathogenic (1 of 4 stars; one submission).

Conditions:
Polycystic kidney disease 4 (PKD4). Also called: POLYCYSTIC KIDNEY AND HEPATIC DISEASE 1; POLYCYSTIC KIDNEY DISEASE, INFANTILE, TYPE I; POLYCYSTIC KIDNEY DISEASE 4 WITH OR WITHOUT POLYCYSTIC LIVER DISEASE; PKD3; Autosomal Recessive Polycystic Kidney Disease – PKHD1. Identifiers: MedGen C4540575, MONDO:0033004, OMIM 263200.

Submission:

Myriad Genetics, Inc.
Classification: Pathogenic for Polycystic kidney disease 4. Last evaluated: 2025-03-03. Review status: criteria provided, single submitter. Criteria: Myriad Autosomal Dominant, Autosomal Recessive and X-Linked Classification Criteria (2023). Collection method: clinical testing. Allele origin: unknown.
Comment: NM_138694.3(PKHD1):c.2522_2523ins10(T842Lfs*29) is expected to be pathogenic in the context of autosomal recessive polycystic kidney disease, PKHD1-related. This variant is predicted to lead to an abnormal or absent protein product due to the creation of a premature termination codon in PKHD1, a gene where loss-of-function variants are known to be pathogenic. Please note: this variant was assessed in the context of healthy population screening.

NM_138694.4(PKHD1):c.2522_2523insTCTATCTATA (p.Thr842fs)

Gene: PKHD1 (PKHD1 ciliary IPT domain containing fibrocystin/polyductin; minus strand). Cytogenetic location: 6p12.2.
Variant type: Microsatellite.
Coding change: c.2522_2523insTCTATCTATA on transcript NM_138694.4 (MANE Select); coding-DNA positions 2522 to 2523, TCTATCTATA inserted.
Protein change: p.Thr842fs; shifts the reading frame from threonine 842.
Molecular consequence: frameshift variant.
Genome position: GRCh38 VCF-style: chr6-52046073-G-GTATAGATAGA. GRCh37 (hg19) VCF-style: chr6-51910871-G-GTATAGATAGA.
Other names: c.2522_2523insTCTATCTATA, p.Thr842fs (NM_170724.3); short protein forms T842fs.
Identifiers: ClinVar variation 5014174 (VCV005014174.1).